The following is an entry in ClinVar:

ClinVar aggregate classification (germline): Conflicting classifications of pathogenicity. Review status: criteria provided, conflicting classifications (1 of 4 stars). 4 submissions from 4 submitters: Uncertain significance (1); Benign (1). 2 of the submissions do not count toward it. Last evaluated 2024-08-05.

Conditions:
Inborn genetic diseases. Identifiers: MedGen C0950123, MeSH D030342.
White sponge nevus 2 (WSN2). Identifiers: MedGen C4014321, MONDO:0014346, OMIM 615785.

Allele frequency attached by ClinVar (database versions not stated): TOPMed 0.00033; ESP Exome Variant Server 0.00054.
gnomAD v4.1: 622 of 1,614,028 alleles (0.039%); highest among the groups gnomAD compares: Non-Finnish European, 0.051%; no homozygotes.

Submissions (4):

Ambry Genetics
Classification: Uncertain significance for Inborn genetic diseases. Last evaluated: 2024-08-05. Review status: criteria provided, single submitter. Criteria: Ambry Variant Classification Scheme 2023. Collection method: clinical testing. Allele origin: germline.

Illumina Laboratory Services, Illumina
Classification: Benign for White sponge nevus 2. Last evaluated: 2018-01-13. Review status: criteria provided, single submitter. Criteria: ICSL Variant Classification Criteria 13 December 2019. Collection method: clinical testing. Allele origin: germline.
Comment: This variant was observed in the ICSL laboratory as part of a predisposition screen in an ostensibly healthy population. It had not been previously curated by ICSL or reported in the Human Gene Mutation Database (HGMD: prior to June 1st, 2018), and was therefore a candidate for classification through an automated scoring system. Utilizing variant allele frequency, disease prevalence and penetrance estimates, and inheritance mode, an automated score was calculated to assess if this variant is too frequent to cause the disease. Based on the score and internal cut-off values, a variant classified as benign is not then subjected to further curation. The score for this variant resulted in a classification of benign for this disease.

Clinical Genetics DNA and cytogenetics Diagnostics Lab, Erasmus MC, Erasmus Medical Center
Classification: Uncertain significance. Review status: no assertion criteria provided. Collection method: clinical testing. Allele origin: germline. Affected: yes. Study: VKGL Data-share Consensus. Not counted in ClinVar's aggregate classification.

Diagnostic Laboratory, Department of Genetics, University Medical Center Groningen
Classification: Uncertain significance. Review status: no assertion criteria provided. Collection method: clinical testing. Allele origin: germline. Affected: yes. Study: VKGL Data-share Consensus. Not counted in ClinVar's aggregate classification.

NM_153490.3(KRT13):c.1217G>T (p.Arg406Leu)

Gene: KRT13 (keratin 13; minus strand). Cytogenetic location: 17q21.2.
Variant type: single nucleotide variant.
Coding change: c.1217G>T on transcript NM_153490.3 (MANE Select); coding-DNA position 1217, G replaced by T.
Protein change: p.Arg406Leu; replaces arginine 406 with leucine.
Molecular consequence: missense variant.
Genome position (GRCh38, 1-based): chr17:41,502,401, C>A on the plus strand (G>T on the coding strand, the complement: KRT13 is on the minus strand). VCF-style: chr17-41502401-C-A. GRCh37 (hg19) VCF-style: chr17-39658653-C-A.
Other names: c.1217G>T, p.Arg406Leu (NM_002274.4); short protein forms R406L.
Identifiers: ClinVar variation 323078 (VCV000323078.10), dbSNP rs145983286, ClinGen allele CA8560487.